The following is an entry in ClinVar:

ClinVar aggregate classification (germline): Uncertain significance. Review status: criteria provided, multiple submitters, no conflicts (2 of 4 stars). 3 submissions from 3 submitters: Uncertain significance (3). Last evaluated 2024-01-04.

Allele frequency attached by ClinVar (database versions not stated): gnomAD exomes 0.00002 and 0.00009; ExAC 0.00003; TOPMed 0.00005.
gnomAD v4.1: 26 of 1,576,318 alleles (0.0016%); highest among the groups gnomAD compares: Admixed American, 0.028%; no homozygotes.

Submissions (3):

Ambry Genetics
Classification: Uncertain significance. Last evaluated: 2024-01-04. Review status: criteria provided, single submitter. Criteria: Ambry Variant Classification Scheme 2023. Collection method: clinical testing. Allele origin: germline.

Labcorp Genetics (formerly Invitae), Labcorp
Classification: Uncertain significance. Last evaluated: 2022-06-25. Review status: criteria provided, single submitter. Criteria: Invitae Variant Classification Sherloc (09022015). Collection method: clinical testing. Allele origin: germline.
Comment: This sequence change replaces arginine, which is basic and polar, with glutamine, which is neutral and polar, at codon 1349 of the SBF1 protein (p.Arg1349Gln). The frequency data for this variant in the population databases is considered unreliable, as metrics indicate poor data quality at this position in the gnomAD database. This variant has not been reported in the literature in individuals affected with SBF1-related conditions. ClinVar contains an entry for this variant (Variation ID: 1312941). Algorithms developed to predict the effect of missense changes on protein structure and function are either unavailable or do not agree on the potential impact of this missense change (SIFT: "Deleterious"; PolyPhen-2: "Benign"; Align-GVGD: "Class C0"). In summary, the available evidence is currently insufficient to determine the role of this variant in disease. Therefore, it has been classified as a Variant of Uncertain Significance.

GeneDx
Classification: Uncertain significance. Last evaluated: 2020-07-02. Review status: criteria provided, single submitter. Criteria: GeneDx Variant Classification Process June 2021. Collection method: clinical testing. Allele origin: germline. Affected: yes.
Comment: In silico analysis supports that this missense variant does not alter protein structure/function; Has not been previously published as pathogenic or benign to our knowledge

NM_002972.4(SBF1):c.4046G>A (p.Arg1349Gln)

Gene: SBF1 (SET binding factor 1; minus strand). Cytogenetic location: 22q13.33.
Variant type: single nucleotide variant.
Coding change: c.4046G>A on transcript NM_002972.4 (MANE Select); coding-DNA position 4046, G replaced by A.
Protein change: p.Arg1349Gln; replaces arginine 1349 with glutamine.
Molecular consequence: missense variant.
Genome position (GRCh38, 1-based): chr22:50,456,532, C>T on the plus strand (G>A on the coding strand, the complement: SBF1 is on the minus strand). VCF-style: chr22-50456532-C-T. GRCh37 (hg19) VCF-style: chr22-50894961-C-T.
Other names: c.3971G>A, p.Arg1324Gln (NM_001365819.1); short protein forms R1324Q, R1349Q.
Identifiers: ClinVar variation 1312941 (VCV001312941.4), dbSNP rs767843492, ClinGen allele CA10316420.
Genomic context (GRCh38, chr22:50,456,532, plus strand): 5'-ACCCCCCGCACCCCAGTCACCTTGAGCTGGGCTTTGTCCCCAAGGATATAGAGGGCTGCT[C>T]GCTGCGGACGCAGGAAGCCCGGGTCGGGAGGGCCCCCGTTGGCCTGGGGTGGGGCCAGCG-3'
Protein context (NP_002963.2, residues 1339-1359): PPDPGFLRPQ[Arg1349Gln]AALYILGDKA